The following is an entry in ClinVar:

ClinVar aggregate classification (germline): Pathogenic (1 of 4 stars; one submission).

Conditions:
Duchenne muscular dystrophy (DMD). Also called: Duchenne Muscular Dystrophy (DMD); MUSCULAR DYSTROPHY, PSEUDOHYPERTROPHIC PROGRESSIVE, DUCHENNE TYPE. Identifiers: Orphanet 98896, MedGen C0013264, MONDO:0010679, OMIM 310200.

Submission:

Broad Center for Mendelian Genomics, Broad Institute of MIT and Harvard
Classification: Pathogenic for Duchenne muscular dystrophy. Last evaluated: 2023-08-24. Review status: criteria provided, single submitter. Criteria: ACMG/ClinGen CNV Guidelines, 2019. Collection method: research. Allele origin: unknown. Inheritance: X-linked inheritance. Affected: yes.
Comment: Inheritance information is unavailable. The patient phenotype is nonspecific, but is consistent with cases described in the literature and/or published databases with overlapping variants. This intragenic variant is predicted to cause a frameshift, which alters the protein’s amino acid sequence beginning at exon 53 and leads to a premature termination codon. This alteration is then predicted to lead to a truncated or absent protein. Loss of function of DMD is an established disease mechanism in X-linked Duchenne muscular dystrophy. In summary, this variant meets criteria to be classified as pathogenic for X-linked Duchenne muscular dystrophy. The ACMG/ClinGen evidence codes and points used in this curation are as follows: 1: 0 points, 2: 0.90 points, 3: 0 points, 4-5: 0.15 points; Total: 1.05 points; Riggs 2020 (PMID: 31690835).

Literature cited by the submitters: PubMed 32528171.

GRCh38/hg38 Xp21.1(chrX:31601428-31727780)x0

Gene: DMD (dystrophin; minus strand). Cytogenetic location: Xp21.1.
Variant type: copy number loss.
Change: copy number 0 of chrX:31,601,428-31,727,780 (126.4 kb, GRCh38 coordinates, 1-based), cytogenetic band Xp21.1.
Identifiers: ClinVar variation 2579216 (VCV002579216.1).